The following is an entry in ClinVar:

ClinVar aggregate classification (germline): Pathogenic. Review status: criteria provided, single submitter (1 of 4 stars). 2 submissions from 2 submitters: Pathogenic (1). 1 of the submissions does not count toward it. Last evaluated 2023-09-25.

Conditions:
Cholestasis, progressive familial intrahepatic, 8. Identifiers: MedGen C5562045, MONDO:0030505, OMIM 619662.

Allele frequency attached by ClinVar (database versions not stated): gnomAD 0.00001; ExAC 0.00001.
gnomAD v4.1: 11 of 1,613,014 alleles (0.00068%); highest among the groups gnomAD compares: East Asian, 0.0022%; no homozygotes.

Submissions (2):

Labcorp Genetics (formerly Invitae), Labcorp
Classification: Pathogenic. Last evaluated: 2023-09-25. Review status: criteria provided, single submitter. Criteria: Invitae Variant Classification Sherloc (09022015). Collection method: clinical testing. Allele origin: germline.
Comment: For these reasons, this variant has been classified as Pathogenic. This variant has not been reported in the literature in individuals affected with KIF12-related conditions. This variant is present in population databases (rs763396255, gnomAD 0.005%). This sequence change creates a premature translational stop signal (p.Arg95*) in the KIF12 gene. It is expected to result in an absent or disrupted protein product. Loss-of-function variants in KIF12 are known to be pathogenic (PMID: 30250217, 30976738).

Molecular Genetics Laboratory, CHU Lille
Classification: Likely pathogenic for Cholestasis, progressive familial intrahepatic, 8. Last evaluated: 2026-08-19. Review status: no assertion criteria provided. Criteria: ACMG Guidelines, 2015. Collection method: clinical testing. Allele origin: germline. Affected: yes. Not counted in ClinVar's aggregate classification.

Literature cited by the submitters: PubMed 30250217 (cited by Labcorp Genetics (formerly Invitae), Labcorp); PubMed 30976738 (cited by Labcorp Genetics (formerly Invitae), Labcorp).

NM_001388308.1(KIF12):c.697C>T (p.Arg233Ter)

Gene: KIF12 (kinesin family member 12; minus strand). Cytogenetic location: 9q32.
Variant type: single nucleotide variant.
Coding change: c.697C>T on transcript NM_001388308.1 (MANE Select); coding-DNA position 697, C replaced by T.
Protein change: p.Arg233Ter; replaces arginine 233 with a stop codon.
Molecular consequence: nonsense.
Genome position (GRCh38, 1-based): chr9:114,096,428, G>A on the plus strand (C>T on the coding strand, the complement: KIF12 is on the minus strand). VCF-style: chr9-114096428-G-A. GRCh37 (hg19) VCF-style: chr9-116858708-G-A.
Other names: c.283C>T, p.Arg95Ter (NM_138424.2); short protein forms R233*, R95*.
Identifiers: ClinVar variation 2964497 (VCV002964497.4), dbSNP rs763396255, ClinGen allele CA5200791.
Genomic context (GRCh38, chr9:114,096,428, plus strand): 5'-CCCAGGCTGGAGCACTCACAGTTTGACGGCTGATGTAAAGGGTGAGCAGGGCATGGCTTC[G>A]GCTGGAGGCCTGGTTCAGGGTGTGGGCTGAGTTCCTTCGACGGCTGAGACCTGGAAGGGA-3'